The following is an entry in ClinVar:

NM_176787.5(PIGN):c.437C>T (p.Ala146Val)

Gene: PIGN (phosphatidylinositol glycan anchor biosynthesis class N; minus strand). Cytogenetic location: 18q21.33.
Variant type: single nucleotide variant.
Coding change: c.437C>T on transcript NM_176787.5 (MANE Select); coding-DNA position 437, C replaced by T.
Protein change: p.Ala146Val; replaces alanine 146 with valine.
Molecular consequence: missense variant.
Genome position (GRCh38, 1-based): chr18:62,157,134, G>A on the plus strand (C>T on the coding strand, the complement: PIGN is on the minus strand). VCF-style: chr18-62157134-G-A. GRCh37 (hg19) VCF-style: chr18-59824367-G-A.
Other names: c.437C>T, p.Ala146Val (NM_012327.6); short protein forms A146V.
Identifiers: ClinVar variation 842278 (VCV000842278.9), dbSNP rs2036765374, ClinGen allele CA402603182.

ClinVar aggregate classification (germline): Uncertain significance (1 of 4 stars; one submission).

Conditions:
Multiple congenital anomalies-hypotonia-seizures syndrome 1 (MCAHS1). Also called: PIGN-CDG; Congenital disorder of glycosylation due to PIGN deficiency; GLYCOSYLPHOSPHATIDYLINOSITOL BIOSYNTHESIS DEFECT 3. Identifiers: Orphanet 280633, MedGen C3279775, MONDO:0013563, OMIM 614080.

Allele frequency attached by ClinVar (database versions not stated): gnomAD exomes below 0.00001.
gnomAD v4.1: 4 of 1,574,128 alleles (0.00025%); highest among the groups gnomAD compares: Non-Finnish European, 0.00035%; no homozygotes.

Submission:

Labcorp Genetics (formerly Invitae), Labcorp
Classification: Uncertain significance for Multiple congenital anomalies-hypotonia-seizures syndrome 1. Last evaluated: 2019-03-22. Review status: criteria provided, single submitter. Criteria: Invitae Variant Classification Sherloc (09022015). Collection method: clinical testing. Allele origin: germline.
Comment: In summary, the available evidence is currently insufficient to determine the role of this variant in disease. Therefore, it has been classified as a Variant of Uncertain Significance. Algorithms developed to predict the effect of missense changes on protein structure and function (SIFT, PolyPhen-2, Align-GVGD) all suggest that this variant is likely to be tolerated, but these predictions have not been confirmed by published functional studies and their clinical significance is uncertain. This variant has not been reported in the literature in individuals with PIGN-related conditions. This variant is not present in population databases (ExAC no frequency). This sequence change replaces alanine with valine at codon 146 of the PIGN protein (p.Ala146Val). The alanine residue is moderately conserved and there is a small physicochemical difference between alanine and valine.